The following is an entry in ClinVar:

ClinVar aggregate classification (germline): Benign/Likely benign. Review status: criteria provided, multiple submitters, no conflicts (2 of 4 stars). 7 submissions from 7 submitters: Benign (3); Likely benign (2). 2 of the submissions do not count toward it. Last evaluated 2026-01-31.

Conditions:
Hereditary cancer-predisposing syndrome. Also called: Tumor predisposition; Hereditary Cancer Syndrome; Neoplastic Syndromes, Hereditary; Hereditary neoplastic syndrome. Identifiers: Orphanet 140162, MedGen C0027672, MeSH D009386, MONDO:0015356.
Hereditary breast ovarian cancer syndrome. Also called: Breast and ovarian cancer; Hereditary breast and ovarian cancer; Hereditary breast and ovarian cancer syndrome; BRCA1- and BRCA2-Associated Hereditary Breast and Ovarian Cancer; Hereditary breast and ovarian cancer syndrome (HBOC); Hereditary breast and/or ovarian cancer syndrome. Identifiers: Orphanet 145, MedGen C0677776, MeSH D061325, MONDO:0003582. Disease mechanism: loss of function.
Breast-ovarian cancer, familial, susceptibility to, 2 (BROVCA2). Also called: BRCA2 Hereditary Breast and Ovarian Cancer. Identifiers: Orphanet 145, MedGen C2675520, MONDO:0012933, OMIM 612555. Disease mechanism: loss of function.

Allele frequency attached by ClinVar (database versions not stated): gnomAD 0.00001; gnomAD exomes 0.00003 and 0.00005; ExAC 0.00005; TOPMed 0.00005.
gnomAD v4.1: 19 of 1,613,516 alleles (0.0012%); highest among the groups gnomAD compares: Admixed American, 0.03%; no homozygotes.

Submissions (7):

Labcorp Genetics (formerly Invitae), Labcorp
Classification: Benign for Hereditary breast ovarian cancer syndrome. Last evaluated: 2026-01-31. Review status: criteria provided, single submitter. Criteria: Invitae Variant Classification Sherloc (09022015). Collection method: clinical testing. Allele origin: germline.

ARUP Laboratories, Molecular Genetics and Genomics, ARUP Laboratories
Classification: Likely benign. Last evaluated: 2024-10-11. Review status: criteria provided, single submitter. Criteria: ARUP Molecular Germline Variant Investigation Process 2024. Collection method: clinical testing. Allele origin: germline.

Women's Health and Genetics/Laboratory Corporation of America, LabCorp
Classification: Benign. Last evaluated: 2022-04-24. Review status: criteria provided, single submitter. Criteria: LabCorp Variant Classification Summary - May 2015. Collection method: clinical testing. Allele origin: germline.
Comment: Variant summary: BRCA2 c.8488-19G>A alters a non-conserved nucleotide located close to a canonical splice site and therefore could affect mRNA splicing, leading to a significantly altered protein sequence. 4/4 computational tools predict no significant impact on normal splicing. However, these predictions have yet to be confirmed by functional studies. The variant allele was found at a frequency of 4.8e-05 in 251120 control chromosomes, predominantly at a frequency of 0.00035 within the Latino subpopulation in the gnomAD database. This frequency is not significantly higher than expected for a pathogenic variant in BRCA2 causing Hereditary Breast And Ovarian Cancer Syndrome (4.8e-05 vs 0.00075), allowing no conclusion about variant significance. c.8488-19G>A has been reported in the literature in at-least one report of healthy unaffected individuals who underwent testing for BRCA1/2 genes (example, Zayas-Villanueva_2019). These report(s) do not provide unequivocal conclusions about association of the variant with Hereditary Breast And Ovarian Cancer Syndrome. To our knowledge, no experimental evidence demonstrating an impact on protein function has been reported. Five clinical diagnostic laboratories have submitted clinical-significance assessments for this variant to ClinVar after 2014 without evidence for independent evaluation. All laboratories classified the variant as benign (n=2)/likely benign (n=3). Based on the evidence outlined above, the variant was classified as benign.

Color Diagnostics, LLC DBA Color Health
Classification: Likely benign for Hereditary cancer-predisposing syndrome. Last evaluated: 2017-11-16. Review status: criteria provided, single submitter. Criteria: ACMG Guidelines, 2015. Collection method: clinical testing. Allele origin: germline.

GeneDx
Classification: Benign. Last evaluated: 2015-03-03. Review status: criteria provided, single submitter. Criteria: GeneDx Variant Classification Process June 2021. Collection method: clinical testing. Allele origin: germline. Affected: yes.

Counsyl
Classification: Likely benign for Breast-ovarian cancer, familial, susceptibility to, 2. Last evaluated: 2017-07-24. Review status: no assertion criteria provided. Collection method: clinical testing. Allele origin: unknown. Not counted in ClinVar's aggregate classification.

Sharing Clinical Reports Project (SCRP)
Classification: Likely benign for Breast-ovarian cancer, familial 2. Last evaluated: 2012-03-20. Review status: no assertion criteria provided. Collection method: clinical testing. Allele origin: germline. Not counted in ClinVar's aggregate classification.

Literature cited by the submitters: PubMed 31331294 (cited by Women's Health and Genetics/Laboratory Corporation of America, LabCorp).

NM_000059.4(BRCA2):c.8488-19G>A

Gene: BRCA2 (BRCA2 DNA repair associated; plus strand). Cytogenetic location: 13q13.1.
Variant type: single nucleotide variant.
Coding change: c.8488-19G>A on transcript NM_000059.4 (MANE Select); 19 bases into the intron before coding-DNA position 8488, G replaced by A.
Molecular consequence: intron variant.
Genome position (GRCh38, 1-based): chr13:32,370,937, G>A. VCF-style: chr13-32370937-G-A. GRCh37 (hg19) VCF-style: chr13-32945074-G-A.
Other names: IVS19-19G>A.
Identifiers: ClinVar variation 91514 (VCV000091514.30), dbSNP rs398122607, ClinGen allele CA025676.
Genomic context (GRCh38, chr13:32,370,937, plus strand): 5'-GCCACTGTGCCTGGCCTGATACAATTAACTTGAATGTTATATATGTGACTTTTTTGGTGT[G>A]TGTAACACATTATTACAGTGGATGGAGAAGACATCATCTGGATTATACATATTTCGCAAT-3'